The following is an entry in ClinVar:

NM_172201.2(KCNE2):c.250T>C (p.Tyr84His)

Genes: KCNE2 (potassium voltage-gated channel subfamily E regulatory subunit 2; plus strand), LOC105372791 (uncharacterized LOC105372791; minus strand). Cytogenetic location: 21q22.11.
Variant type: single nucleotide variant.
Coding change: c.250T>C on transcript NM_172201.2 (MANE Select); coding-DNA position 250, T replaced by C.
Protein change: p.Tyr84His; replaces tyrosine 84 with histidine.
Molecular consequence: missense variant.
Genome position (GRCh38, 1-based): chr21:34,370,728, T>C. VCF-style: chr21-34370728-T-C. GRCh37 (hg19) VCF-style: chr21-35743027-T-C.
Other names: short protein forms Y84H.
Identifiers: ClinVar variation 1470610 (VCV001470610.8), dbSNP rs1011448773, ClinGen allele CA320365719.

ClinVar aggregate classification (germline): Uncertain significance (1 of 4 stars; one submission).

Conditions:
Long QT syndrome 6 (LQT6). Identifiers: Orphanet 101016, Orphanet 768, MedGen C3150953, MONDO:0013370, OMIM 613693.

Allele frequency attached by ClinVar (database versions not stated): TOPMed 0.00002.

Submission:

Labcorp Genetics (formerly Invitae), Labcorp
Classification: Uncertain significance for Long QT syndrome 6. Last evaluated: 2024-05-25. Review status: criteria provided, single submitter. Criteria: Invitae Variant Classification Sherloc (09022015). Collection method: clinical testing. Allele origin: germline.
Comment: This sequence change replaces tyrosine, which is neutral and polar, with histidine, which is basic and polar, at codon 84 of the KCNE2 protein (p.Tyr84His). This variant is not present in population databases (gnomAD no frequency). This variant has not been reported in the literature in individuals affected with KCNE2-related conditions. ClinVar contains an entry for this variant (Variation ID: 1470610). An algorithm developed to predict the effect of missense changes on protein structure and function (PolyPhen-2) suggests that this variant is likely to be tolerated. In summary, the available evidence is currently insufficient to determine the role of this variant in disease. Therefore, it has been classified as a Variant of Uncertain Significance.